The following is an entry in ClinVar:

NM_000492.4(CFTR):c.2561C>T (p.Thr854Ile)

Gene: CFTR (CF transmembrane conductance regulator; plus strand). Cytogenetic location: 7q31.2.
Variant type: single nucleotide variant.
Coding change: c.2561C>T on transcript NM_000492.4 (MANE Select); coding-DNA position 2561, C replaced by T.
Protein change: p.Thr854Ile; replaces threonine 854 with isoleucine.
Molecular consequence: missense variant.
Genome position (GRCh38, 1-based): chr7:117,595,000, C>T. VCF-style: chr7-117595000-C-T. GRCh37 (hg19) VCF-style: chr7-117235054-C-T.
Other names: p.Thr854Ile; short protein forms T854I.
Identifiers: ClinVar variation 1793121 (VCV001793121.4), dbSNP rs566908587, ClinGen allele CA4451226.

ClinVar aggregate classification (germline): Uncertain significance. Review status: criteria provided, multiple submitters, no conflicts (2 of 4 stars). 2 submissions from 2 submitters: Uncertain significance (2). Last evaluated 2024-04-09.

Conditions:
Cystic fibrosis (CF). Also called: MUCOVISCIDOSIS. Identifiers: Orphanet 586, MedGen C0010674, MONDO:0009061, OMIM 219700. Disease mechanism: loss of function.

Allele frequency attached by ClinVar (database versions not stated): 1000 Genomes Project 0.00060; gnomAD 0.00001; gnomAD exomes 0.00003; ExAC 0.00006; 1000 Genomes Project 30x 0.00047; TOPMed 0.00001.
gnomAD v4.1: 37 of 1,612,676 alleles (0.0023%); highest among the groups gnomAD compares: African/African-American, 0.008%; no homozygotes.

Submissions (2):

Mayo Clinic Laboratories, Mayo Clinic
Classification: Uncertain significance. Last evaluated: 2024-04-09. Review status: criteria provided, single submitter. Criteria: ACMG Guidelines, 2015. Collection method: clinical testing. Allele origin: germline. Observed: 1 variant allele.

Ambry Genetics
Classification: Uncertain significance for Cystic fibrosis. Last evaluated: 2022-12-15. Review status: criteria provided, single submitter. Criteria: Ambry Variant Classification Scheme 2023. Collection method: clinical testing. Allele origin: germline.
Comment: The p.T854I variant (also known as c.2561C>T), located in coding exon 15 of the CFTR gene, results from a C to T substitution at nucleotide position 2561. The threonine at codon 854 is replaced by isoleucine, an amino acid with similar properties. This amino acid position is not well conserved in available vertebrate species. In addition, the in silico prediction for this alteration is inconclusive. Since supporting evidence is limited at this time, the clinical significance of this alteration remains unclear.